The following is an entry in ClinVar:

ClinVar aggregate classification (germline): Pathogenic/Likely pathogenic. Review status: criteria provided, multiple submitters, no conflicts (2 of 4 stars). 6 submissions from 6 submitters: Pathogenic (5); Likely pathogenic (1). Last evaluated 2025-09-10.

Conditions:
Wilson disease (WND). Also called: Wilson's disease. Identifiers: Orphanet 905, MedGen C0019202, MONDO:0010200, OMIM 277900. Disease mechanism: loss of function.

Submissions (6):

Natera, Inc.
Classification: Pathogenic for Wilson disease. Last evaluated: 2025-09-10. Review status: criteria provided, single submitter. Criteria: Natera Variant Classification Schema (03/2026). Collection method: clinical testing. Allele origin: germline.
Comment: The c.2227delT variant in ATP7B is a frameshift variant predicted to shift the reading frame beginning at codon 743 and leads to a stop codon 19 codons downstream. This variant is expected to result in nonsense mediated decay, truncation, or a dysfunctional protein product. This variant is rare in the general population with a frequency below the threshold expected for the associated phenotype(s). This variant has been observed in one or more individuals affected with the associated recessive disease, as either homozygous or compound heterozygous with a second variant (PMID: 35220961). Given the available evidence, this variant is classified as Pathogenic.

Labcorp Genetics (formerly Invitae), Labcorp
Classification: Pathogenic for Wilson disease. Last evaluated: 2023-01-05. Review status: criteria provided, single submitter. Criteria: Invitae Variant Classification Sherloc (09022015). Collection method: clinical testing. Allele origin: germline.
Comment: For these reasons, this variant has been classified as Pathogenic. ClinVar contains an entry for this variant (Variation ID: 863481). This premature translational stop signal has been observed in individual(s) with Wilson disease (PMID: 23551039). This variant is not present in population databases (gnomAD no frequency). This sequence change creates a premature translational stop signal (p.Tyr743Ilefs*19) in the ATP7B gene. It is expected to result in an absent or disrupted protein product. Loss-of-function variants in ATP7B are known to be pathogenic (PMID: 10441329, 16283883).

Mayo Clinic Laboratories, Mayo Clinic
Classification: Pathogenic. Last evaluated: 2022-05-06. Review status: criteria provided, single submitter. Criteria: ACMG Guidelines, 2015. Collection method: clinical testing. Allele origin: germline. Observed: 2 variant alleles.
Comment: PP4, PM2, PM3, PVS1

Women's Health and Genetics/Laboratory Corporation of America, LabCorp
Classification: Pathogenic for Wilson disease. Last evaluated: 2021-09-01. Review status: criteria provided, single submitter. Criteria: LabCorp Variant Classification Summary - May 2015. Collection method: clinical testing. Allele origin: germline.
Comment: Variant summary: ATP7B c.2227delT (p.Tyr743IlefsX19) results in a premature termination codon, predicted to cause a truncation of the encoded protein or absence of the protein due to nonsense mediated decay, which are commonly known mechanisms for disease. Truncations downstream of this position have been classified as pathogenic by our laboratory. The variant was absent in 249582 control chromosomes (gnomAD). c.2227delT has been reported in the literature in individuals affected with Wilson Disease (e.g. Aggarwal_2013, Collins_2021). These data indicate that the variant is likely to be associated with disease. To our knowledge, no experimental evidence demonstrating an impact on protein function has been reported. Two ClinVar submitters (evaluation after 2014) cite the variant as pathogenic. Based on the evidence outlined above, the variant was classified as pathogenic.

Genome-Nilou Lab
Classification: Pathogenic for Wilson disease. Last evaluated: 2021-08-10. Review status: criteria provided, single submitter. Criteria: ACMG Guidelines, 2015. Collection method: clinical testing. Allele origin: germline. Affected: no.

Laboratory for Molecular Medicine, Mass General Brigham Personalized Medicine
Classification: Likely pathogenic for Wilson disease. Last evaluated: 2020-06-11. Review status: criteria provided, single submitter. Criteria: ACMG Guidelines, 2015. Collection method: clinical testing. Allele origin: germline.
Comment: The p.Tyr743IlefsX19 variant in ATP7B has been reported in 1 individual with Wilson disease who was compound heterozygous with p.Gly691Arg (Aggarwal 23551039). This variant was absent from large population studies. This variant is predicted to cause a frameshift, which alters the protein’s amino acid sequence beginning at position 743 and leads to a premature termination codon 19 amino acids downstream. This alteration is then predicted to lead to a truncated or absent protein. Loss of function of the ATP7B gene is an established disease mechanism in autosomal recessive Wilson disease. In summary, although additional studies are required to fully establish its clinical significance, this variant meets criteria to be classified as likely pathogenic for autosomal recessive Wilson disease. ACMG/AMP Criteria applied: PVS1, PM2.

Literature cited by the submitters: PubMed 35220961 (cited by Natera, Inc.); PubMed 23551039 (cited by 4 submitters); PubMed 10441329 (cited by Labcorp Genetics (formerly Invitae), Labcorp); PubMed 16283883 (cited by Labcorp Genetics (formerly Invitae), Labcorp); PubMed 29649982 (cited by Mayo Clinic Laboratories, Mayo Clinic and Women's Health and Genetics/Laboratory Corporation of America, LabCorp); PubMed 31059521 (cited by Mayo Clinic Laboratories, Mayo Clinic and Women's Health and Genetics/Laboratory Corporation of America, LabCorp); PubMed 33640437 (cited by Women's Health and Genetics/Laboratory Corporation of America, LabCorp).

NM_000053.4(ATP7B):c.2227del (p.Tyr743fs)

Gene: ATP7B (ATPase copper transporting beta; minus strand). Cytogenetic location: 13q14.3.
Variant type: Deletion.
Coding change: c.2227del on transcript NM_000053.4 (MANE Select); coding-DNA position 2227, one base deleted (T; older notation c.2227delT).
Protein change: p.Tyr743fs; shifts the reading frame from tyrosine 743.
Molecular consequence: frameshift variant. On other transcripts: intron variant (2).
Genome position (GRCh38, 1-based): chr13:51,958,439, A deleted on the plus strand (T on the coding strand, the reverse complement: ATP7B is on the minus strand); the first of 3 consecutive A bases (chr13:51,958,439-51,958,441); deleting any one gives the same sequence. VCF-style (leftmost placement, unchanged base first): chr13-51958438-TA-T. GRCh37 (hg19) VCF-style: chr13-52532574-TA-T.
Other names: c.2227delT (NM_000053.3); c.1894del, p.Tyr632fs (NM_001243182.2); c.1975del, p.Tyr659fs (NM_001330579.2); c.1870-832del (NM_001005918.3); c.2122-832del (NM_001330578.2); short protein forms Y632fs, Y659fs, Y743fs.
Identifiers: ClinVar variation 863481 (VCV000863481.20), dbSNP rs1958499462, ClinGen allele CA916083358.